The following is an entry in ClinVar:

NM_001972.4(ELANE):c.542G>A (p.Cys181Tyr)

Gene: ELANE (elastase, neutrophil expressed; plus strand). Cytogenetic location: 19p13.3.
Variant type: single nucleotide variant.
Coding change: c.542G>A on transcript NM_001972.4 (MANE Select); coding-DNA position 542, G replaced by A.
Protein change: p.Cys181Tyr; replaces cysteine 181 with tyrosine.
Molecular consequence: missense variant.
Genome position (GRCh38, 1-based): chr19:855,739, G>A. VCF-style: chr19-855739-G-A. GRCh37 (hg19) VCF-style: chr19-855739-G-A.
Other names: short protein forms C181Y.
Identifiers: ClinVar variation 1939854 (VCV001939854.5), dbSNP rs2512168573, ClinGen allele CA402918620.

ClinVar aggregate classification (germline): Uncertain significance (1 of 4 stars; one submission).

Conditions:
Cyclical neutropenia. Also called: Cyclic hematopoiesis; Cyclic Neutropenia. Identifiers: Orphanet 2686, MedGen C0221023, MONDO:0008090, OMIM 162800, HP:0040289. Disease mechanism: loss of function.
Neutropenia, severe congenital, 1, autosomal dominant. Identifiers: MedGen C1859966, MONDO:0042490, OMIM 202700.

Submission:

Labcorp Genetics (formerly Invitae), Labcorp
Classification: Uncertain significance for Neutropenia, severe congenital, 1, autosomal dominant; Cyclical neutropenia. Last evaluated: 2022-10-04. Review status: criteria provided, single submitter. Criteria: Invitae Variant Classification Sherloc (09022015). Collection method: clinical testing. Allele origin: germline.
Comment: Advanced modeling of protein sequence and biophysical properties (such as structural, functional, and spatial information, amino acid conservation, physicochemical variation, residue mobility, and thermodynamic stability) performed at Invitae indicates that this missense variant is expected to disrupt ELANE protein function. In summary, the available evidence is currently insufficient to determine the role of this variant in disease. Therefore, it has been classified as a Variant of Uncertain Significance. This variant has not been reported in the literature in individuals affected with ELANE-related conditions. This variant is not present in population databases (gnomAD no frequency). This sequence change replaces cysteine, which is neutral and slightly polar, with tyrosine, which is neutral and polar, at codon 181 of the ELANE protein (p.Cys181Tyr).